The following is an entry in ClinVar:

ClinVar aggregate classification (germline): Uncertain significance (1 of 4 stars; one submission).

Allele frequency attached by ClinVar (database versions not stated): gnomAD exomes below 0.00001; ExAC 0.00001; TOPMed 0.00002.
gnomAD v4.1: 4 of 1,614,076 alleles (0.00025%); highest among the groups gnomAD compares: Admixed American, 0.0067%; no homozygotes.

Submission:

Labcorp Genetics (formerly Invitae), Labcorp
Classification: Uncertain significance. Last evaluated: 2023-09-01. Review status: criteria provided, single submitter. Criteria: Invitae Variant Classification Sherloc (09022015). Collection method: clinical testing. Allele origin: germline.
Comment: In summary, the available evidence is currently insufficient to determine the role of this variant in disease. Therefore, it has been classified as a Variant of Uncertain Significance. Variants that disrupt the consensus splice site are a relatively common cause of aberrant splicing (PMID: 17576681, 9536098). Algorithms developed to predict the effect of sequence changes on RNA splicing suggest that this variant may disrupt the consensus splice site. This variant has not been reported in the literature in individuals affected with PODXL-related conditions. This variant is present in population databases (rs761466197, gnomAD 0.009%). This sequence change affects an acceptor splice site in intron 7 of the PODXL gene. While this variant is not anticipated to result in nonsense mediated decay, it likely alters RNA splicing and results in a disrupted protein product.

Literature cited by the submitters: PubMed 17576681; PubMed 9536098.

NM_001018111.3(PODXL):c.1480-1G>A

Gene: PODXL (podocalyxin like; minus strand). Cytogenetic location: 7q32.3.
Variant type: single nucleotide variant.
Coding change: c.1480-1G>A on transcript NM_001018111.3 (MANE Select); the canonical splice acceptor site of the intron before coding-DNA position 1480, G replaced by A.
Molecular consequence: splice acceptor variant.
Genome position (GRCh38, 1-based): chr7:131,504,509, C>T on the plus strand (G>A on the coding strand, the complement: PODXL is on the minus strand). VCF-style: chr7-131504509-C-T. GRCh37 (hg19) VCF-style: chr7-131189268-C-T.
Other names: c.1384-1G>A (NM_005397.4).
Identifiers: ClinVar variation 2973782 (VCV002973782.3), dbSNP rs761466197, ClinGen allele CA4488336.